The following is an entry in ClinVar:

NM_001173467.3(SP7):c.1139G>C (p.Gly380Ala)

Gene: SP7 (Sp7 transcription factor; minus strand). Cytogenetic location: 12q13.13.
Variant type: single nucleotide variant.
Coding change: c.1139G>C on transcript NM_001173467.3 (MANE Select); coding-DNA position 1139, G replaced by C.
Protein change: p.Gly380Ala; replaces glycine 380 with alanine.
Molecular consequence: missense variant.
Genome position (GRCh38, 1-based): chr12:53,328,303, C>G on the plus strand (G>C on the coding strand, the complement: SP7 is on the minus strand). VCF-style: chr12-53328303-C-G. GRCh37 (hg19) VCF-style: chr12-53722087-C-G.
Other names: c.1085G>C, p.Gly362Ala (NM_001300837.2); c.1139G>C, p.Gly380Ala (NM_152860.2); short protein forms G362A, G380A.
Identifiers: ClinVar variation 1806627 (VCV001806627.1), dbSNP rs766661882, ClinGen allele CA6599453.
Genomic context (GRCh38, chr12:53,328,303, plus strand): 5'-TCTTCCCCCGTGCTGCGGCCCTCCCCCAGCTCCTTGGGGCCACTGGGAGGGGGACCCGGG[C>G]CTGGTTCTCCATGGGTGCGCTGGTGTTTGCTCAGGTGGTCGCTTCGGGTAAAGCGCTTGG-3'
Protein context (NP_001166938.1, residues 370-390): SKHQRTHGEP[Gly380Ala]PGPPPSGPKE

ClinVar aggregate classification (germline): Uncertain significance (1 of 4 stars; one submission).

Allele frequency attached by ClinVar (database versions not stated): TOPMed below 0.00001; ExAC 0.00001.
gnomAD v4.1: 7 of 1,610,496 alleles (0.00043%); highest among the groups gnomAD compares: Middle Eastern, 0.017%; no homozygotes.

Submission:

GeneDx
Classification: Uncertain significance. Last evaluated: 2022-06-22. Review status: criteria provided, single submitter. Criteria: GeneDx Variant Classification Process June 2021. Collection method: clinical testing. Allele origin: germline. Affected: yes.
Comment: Not observed at significant frequency in large population cohorts (gnomAD); In silico analysis supports that this missense variant does not alter protein structure/function; Has not been previously published as pathogenic or benign to our knowledge